The following is an entry in ClinVar:

ClinVar aggregate classification (germline): Uncertain significance. Review status: criteria provided, multiple submitters, no conflicts (2 of 4 stars). 3 submissions from 3 submitters: Uncertain significance (3). Last evaluated 2024-10-10.

Conditions:
Curry-Hall syndrome (WAD). Also called: WEYERS ACRODENTAL DYSOSTOSIS. Identifiers: Orphanet 952, MedGen C0457013, MONDO:0008673, OMIM 193530.
Ellis-van Creveld syndrome (EVC). Also called: Chondroectodermal dysplasia; MESOECTODERMAL DYSPLASIA. Identifiers: Orphanet 289, MedGen C0013903, MONDO:0009162, OMIM 225500.

Allele frequency attached by ClinVar (database versions not stated): gnomAD exomes 0.00001; TOPMed 0.00001; ExAC 0.00002.
gnomAD v4.1: 15 of 1,614,198 alleles (0.00093%); highest among the groups gnomAD compares: Non-Finnish European, 0.0012%; no homozygotes.

Submissions (3):

Blueprint Genetics
Classification: Uncertain significance. Last evaluated: 2024-10-10. Review status: criteria provided, single submitter. Criteria: ACMG Guidelines, 2015. Collection method: clinical testing. Allele origin: germline.

Labcorp Genetics (formerly Invitae), Labcorp
Classification: Uncertain significance for Curry-Hall syndrome; Ellis-van Creveld syndrome. Last evaluated: 2022-06-27. Review status: criteria provided, single submitter. Criteria: Invitae Variant Classification Sherloc (09022015). Collection method: clinical testing. Allele origin: germline.
Comment: This sequence change replaces glutamic acid, which is acidic and polar, with glycine, which is neutral and non-polar, at codon 553 of the EVC2 protein (p.Glu553Gly). This variant is present in population databases (rs766349604, gnomAD 0.002%). This variant has not been reported in the literature in individuals affected with EVC2-related conditions. ClinVar contains an entry for this variant (Variation ID: 452105). Algorithms developed to predict the effect of missense changes on protein structure and function are either unavailable or do not agree on the potential impact of this missense change (SIFT: "Deleterious"; PolyPhen-2: "Possibly Damaging"; Align-GVGD: "Class C15"). In summary, the available evidence is currently insufficient to determine the role of this variant in disease. Therefore, it has been classified as a Variant of Uncertain Significance.

GeneDx
Classification: Uncertain significance. Last evaluated: 2017-09-25. Review status: criteria provided, single submitter. Criteria: GeneDx Variant Classification (06012015). Collection method: clinical testing. Allele origin: germline. Affected: yes.
Comment: The E553G variant in the EVC2 gene has not been reported previously as a pathogenic variant, nor as a benign variant, to our knowledge. The E553G variant is observed in 2/66724 (0.003%) alleles from individuals of non-Finnish background, in the ExAC dataset (Lek et al., 2016). The E553G variant is a non-conservative amino acid substitution, which is likely to impact secondary protein structure as these residues differ in polarity, charge, size and/or other properties. This substitution occurs at a position where amino acids with similar properties to Glutamic acid are tolerated across species. In silico analysis predicts this variant is probably damaging to the protein structure/function. We interpret E553G as a variant of uncertain significance.

NM_147127.5(EVC2):c.1658A>G (p.Glu553Gly)

Gene: EVC2 (EvC ciliary complex subunit 2; minus strand). Cytogenetic location: 4p16.2.
Variant type: single nucleotide variant.
Coding change: c.1658A>G on transcript NM_147127.5 (MANE Select); coding-DNA position 1658, A replaced by G.
Protein change: p.Glu553Gly; replaces glutamic acid 553 with glycine.
Molecular consequence: missense variant.
Genome position (GRCh38, 1-based): chr4:5,631,845, T>C on the plus strand (A>G on the coding strand, the complement: EVC2 is on the minus strand). VCF-style: chr4-5631845-T-C. GRCh37 (hg19) VCF-style: chr4-5633572-T-C.
Other names: c.1418A>G, p.Glu473Gly (NM_001166136.2); short protein forms E553G, E473G.
Identifiers: ClinVar variation 452105 (VCV000452105.5), dbSNP rs766349604, ClinGen allele CA2834989.